The following is an entry in ClinVar:

ClinVar aggregate classification (germline): Uncertain significance. Review status: criteria provided, multiple submitters, no conflicts (2 of 4 stars). 2 submissions from 2 submitters: Uncertain significance (2). Last evaluated 2026-08-27.

Allele frequency attached by ClinVar (database versions not stated): gnomAD exomes below 0.00001.
gnomAD v4.1: 1 of 1,212,102 alleles (0.000083%); highest among the groups gnomAD compares: Admixed American, 0.0022%; no homozygotes.

Submissions (2):

GeneDx
Classification: Uncertain significance. Last evaluated: 2026-08-27. Review status: criteria provided, single submitter. Criteria: GeneDx Variant Classification Process June 2021. Collection method: clinical testing. Allele origin: germline.
Comment: Has not been previously published as pathogenic or benign to our knowledge; In silico analysis supports that this missense variant has a deleterious effect on protein structure/function

Labcorp Genetics (formerly Invitae), Labcorp
Classification: Uncertain significance. Last evaluated: 2023-07-17. Review status: criteria provided, single submitter. Criteria: Invitae Variant Classification Sherloc (09022015). Collection method: clinical testing. Allele origin: germline.
Comment: ClinVar contains an entry for this variant (Variation ID: 1947992). In summary, the available evidence is currently insufficient to determine the role of this variant in disease. Therefore, it has been classified as a Variant of Uncertain Significance. Advanced modeling of protein sequence and biophysical properties (such as structural, functional, and spatial information, amino acid conservation, physicochemical variation, residue mobility, and thermodynamic stability) has been performed at Invitae for this missense variant, however the output from this modeling did not meet the statistical confidence thresholds required to predict the impact of this variant on HUWE1 protein function. This variant has not been reported in the literature in individuals affected with HUWE1-related conditions. The frequency data for this variant in the population databases is considered unreliable, as metrics indicate poor data quality at this position in the gnomAD database. This sequence change replaces threonine, which is neutral and polar, with isoleucine, which is neutral and non-polar, at codon 2146 of the HUWE1 protein (p.Thr2146Ile).

NM_031407.7(HUWE1):c.6437C>T (p.Thr2146Ile)

Gene: HUWE1 (HECT, UBA and WWE domain containing E3 ubiquitin protein ligase 1; minus strand). Cytogenetic location: Xp11.22.
Variant type: single nucleotide variant.
Coding change: c.6437C>T on transcript NM_031407.7 (MANE Select); coding-DNA position 6437, C replaced by T.
Protein change: p.Thr2146Ile; replaces threonine 2146 with isoleucine.
Molecular consequence: missense variant.
Genome position (GRCh38, 1-based): chrX:53,569,703, G>A on the plus strand (C>T on the coding strand, the complement: HUWE1 is on the minus strand). VCF-style: chrX-53569703-G-A. GRCh37 (hg19) VCF-style: chrX-53596663-G-A.
Other names: c.6437C>T (NM_031407.4); short protein forms T2146I.
Identifiers: ClinVar variation 1947992 (VCV001947992.7), dbSNP rs1556948996, ClinGen allele CA413165029.